The following is an entry in ClinVar:

NM_013432.5(TONSL):c.487C>T (p.Arg163Cys)

Gene: TONSL (tonsoku like, DNA repair protein; minus strand). Cytogenetic location: 8q24.3.
Variant type: single nucleotide variant.
Coding change: c.487C>T on transcript NM_013432.5 (MANE Select); coding-DNA position 487, C replaced by T.
Protein change: p.Arg163Cys; replaces arginine 163 with cysteine.
Molecular consequence: missense variant.
Genome position (GRCh38, 1-based): chr8:144,442,768, G>A on the plus strand (C>T on the coding strand, the complement: TONSL is on the minus strand). VCF-style: chr8-144442768-G-A. GRCh37 (hg19) VCF-style: chr8-145668151-G-A.
Other names: short protein forms R163C.
Identifiers: ClinVar variation 1970214 (VCV001970214.2), dbSNP rs1392405111, ClinGen allele CA372677735.

ClinVar aggregate classification (germline): Uncertain significance (1 of 4 stars; one submission).

Allele frequency attached by ClinVar (database versions not stated): gnomAD 0.00001; gnomAD exomes 0.00001; TOPMed 0.00001.

Submission:

Labcorp Genetics (formerly Invitae), Labcorp
Classification: Uncertain significance. Last evaluated: 2022-01-16. Review status: criteria provided, single submitter. Criteria: Invitae Variant Classification Sherloc (09022015). Collection method: clinical testing. Allele origin: germline.
Comment: This sequence change replaces arginine, which is basic and polar, with cysteine, which is neutral and slightly polar, at codon 163 of the TONSL protein (p.Arg163Cys). This variant is present in population databases (no rsID available, gnomAD 0.003%). This variant has not been reported in the literature in individuals affected with TONSL-related conditions. Algorithms developed to predict the effect of missense changes on protein structure and function are either unavailable or do not agree on the potential impact of this missense change (SIFT: "Deleterious"; PolyPhen-2: "Probably Damaging"; Align-GVGD: "Class C0"). In summary, the available evidence is currently insufficient to determine the role of this variant in disease. Therefore, it has been classified as a Variant of Uncertain Significance.